The following is an entry in ClinVar:

ClinVar aggregate classification (germline): Uncertain significance (1 of 4 stars; one submission).

Allele frequency attached by ClinVar (database versions not stated): gnomAD exomes below 0.00001.
gnomAD v4.1: 2 of 1,612,778 alleles (0.00012%); highest among the groups gnomAD compares: Admixed American, 0.0033%; no homozygotes.

Submission:

Ambry Genetics
Classification: Uncertain significance. Last evaluated: 2023-03-06. Review status: criteria provided, single submitter. Criteria: Ambry Variant Classification Scheme 2023. Collection method: clinical testing. Allele origin: germline.
Comment: The p.V105I variant (also known as c.313G>A), located in coding exon 2 of the POLQ gene, results from a G to A substitution at nucleotide position 313. The valine at codon 105 is replaced by isoleucine, an amino acid with highly similar properties. This amino acid position is conserved. In addition, this alteration is predicted to be tolerated by in silico analysis. Since supporting evidence is limited at this time, the clinical significance of this alteration remains unclear.

NM_199420.4(POLQ):c.313G>A (p.Val105Ile)

Gene: POLQ (DNA polymerase theta; minus strand). Cytogenetic location: 3q13.33.
Variant type: single nucleotide variant.
Coding change: c.313G>A on transcript NM_199420.4 (MANE Select); coding-DNA position 313, G replaced by A.
Protein change: p.Val105Ile; replaces valine 105 with isoleucine.
Molecular consequence: missense variant.
Genome position (GRCh38, 1-based): chr3:121,544,757, C>T on the plus strand (G>A on the coding strand, the complement: POLQ is on the minus strand). VCF-style: chr3-121544757-C-T. GRCh37 (hg19) VCF-style: chr3-121263604-C-T.
Other names: short protein forms V105I.
Identifiers: ClinVar variation 2449053 (VCV002449053.2), dbSNP rs1353203361, ClinGen allele CA354094300.